The following is an entry in ClinVar:

NM_002292.4(LAMB2):c.4821_4822delinsGA (p.Gln1608Lys)

Gene: LAMB2 (laminin subunit beta 2; minus strand). Cytogenetic location: 3p21.31.
Variant type: Indel.
Coding change: c.4821_4822delinsGA on transcript NM_002292.4 (MANE Select); coding-DNA positions 4821 to 4822, AC replaced by GA.
Protein change: p.Gln1608Lys; replaces glutamine 1608 with lysine.
Molecular consequence: missense variant.
Genome position (GRCh38, 1-based): chr3:49,122,045-49,122,046, GT replaced by TC on the plus strand (AC replaced by GA on the coding strand, the reverse complement: LAMB2 is on the minus strand). VCF-style: chr3-49122045-GT-TC. GRCh37 (hg19) VCF-style: chr3-49159478-GT-TC.
Other names: short protein forms Q1608K.
Identifiers: ClinVar variation 591355 (VCV000591355.6), dbSNP rs1560066776, ClinGen allele CA891862672.

ClinVar aggregate classification (germline): Uncertain significance. Review status: criteria provided, single submitter (1 of 4 stars). 2 submissions from 2 submitters: Uncertain significance (1). 1 of the submissions does not count toward it. Last evaluated 2021-04-11.

Conditions:
Pierson syndrome. Also called: MICROCORIA-CONGENITAL NEPHROTIC SYNDROME. Identifiers: Orphanet 2670, MedGen C1836876, MONDO:0012184, OMIM 609049.
LAMB2-related infantile-onset nephrotic syndrome. Also called: NEPHROTIC SYNDROME, TYPE 5, WITHOUT OCULAR ABNORMALITIES; NEPHROTIC SYNDROME, TYPE 5, WITH OCULAR ABNORMALITIES; Nephrotic Syndrome, type 5. Identifiers: Orphanet 306507, MedGen C3280113, MONDO:0013621, OMIM 614199.

Submissions (2):

Labcorp Genetics (formerly Invitae), Labcorp
Classification: Uncertain significance for LAMB2-related infantile-onset nephrotic syndrome; Pierson syndrome. Last evaluated: 2021-04-11. Review status: criteria provided, single submitter. Criteria: Invitae Variant Classification Sherloc (09022015). Collection method: clinical testing. Allele origin: germline.
Comment: This sequence change replaces glutamine with lysine at codon 1608 of the LAMB2 protein (p.Gln1608Lys). The glutamine residue is highly conserved and there is a small physicochemical difference between glutamine and lysine. The frequency data for this variant in the population databases is not available, as this variant may be reported as separate entries in the ExAC database. This variant has not been reported in the literature in individuals with LAMB2-related conditions. ClinVar contains an entry for this variant (Variation ID: 591355). Experimental studies and prediction algorithms are not available or were not evaluated, and the functional significance of this variant is currently unknown. In summary, the available evidence is currently insufficient to determine the role of this variant in disease. Therefore, it has been classified as a Variant of Uncertain Significance.

Gharavi Laboratory, Columbia University
Classification: Uncertain significance. Last evaluated: 2018-09-16. Review status: no assertion criteria provided. Criteria: ACMG Guidelines, 2015. Collection method: research. Allele origin: germline. Affected: yes. Not counted in ClinVar's aggregate classification.